The following is an entry in ClinVar:

ClinVar aggregate classification (germline): Uncertain significance. Review status: criteria provided, multiple submitters, no conflicts (2 of 4 stars). 3 submissions from 3 submitters: Uncertain significance (3). Last evaluated 2026-01-21.

Conditions:
Hereditary cancer-predisposing syndrome. Also called: Hereditary neoplastic syndrome; Hereditary Cancer Syndrome; Tumor predisposition; Neoplastic Syndromes, Hereditary. Identifiers: Orphanet 140162, MedGen C0027672, MeSH D009386, MONDO:0015356.
Neuroblastoma, susceptibility to, 3. Also called: ALK-Related Neuroblastic Tumor Susceptibility. Identifiers: Orphanet 635, MedGen C2751681, MONDO:0013083, OMIM 613014.

Allele frequency attached by ClinVar (database versions not stated): gnomAD 0.00001; TOPMed 0.00001.
gnomAD v4.1: 4 of 1,613,670 alleles (0.00025%); highest among the groups gnomAD compares: African/African-American, 0.0027%; no homozygotes.

Submissions (3):

Labcorp Genetics (formerly Invitae), Labcorp
Classification: Uncertain significance for Neuroblastoma, susceptibility to, 3. Last evaluated: 2026-01-21. Review status: criteria provided, single submitter. Criteria: Invitae Variant Classification Sherloc (09022015). Collection method: clinical testing. Allele origin: germline.
Comment: This sequence change replaces proline, which is neutral and non-polar, with threonine, which is neutral and polar, at codon 316 of the ALK protein (p.Pro316Thr). This variant is not present in population databases (gnomAD no frequency). This variant has not been reported in the literature in individuals affected with ALK-related conditions. ClinVar contains an entry for this variant (Variation ID: 646572). An algorithm developed to predict the effect of missense changes on protein structure and function (PolyPhen-2) suggests that this variant is likely to be tolerated. In summary, the available evidence is currently insufficient to determine the role of this variant in disease. Therefore, it has been classified as a Variant of Uncertain Significance.

GeneDx
Classification: Uncertain significance. Last evaluated: 2025-06-05. Review status: criteria provided, single submitter. Criteria: GeneDx Variant Classification Process June 2021. Collection method: clinical testing. Allele origin: germline.
Comment: Not observed at significant frequency in large population cohorts (gnomAD); In silico analysis suggests that this missense variant does not alter protein structure/function; Has not been previously published as pathogenic or benign to our knowledge

Ambry Genetics
Classification: Uncertain significance for Hereditary cancer-predisposing syndrome. Last evaluated: 2024-06-29. Review status: criteria provided, single submitter. Criteria: Ambry Variant Classification Scheme 2023. Collection method: clinical testing. Allele origin: germline.
Comment: The p.P316T variant (also known as c.946C>A), located in coding exon 3 of the ALK gene, results from a C to A substitution at nucleotide position 946. The proline at codon 316 is replaced by threonine, an amino acid with highly similar properties. This amino acid position is conserved. In addition, this alteration is predicted to be tolerated by in silico analysis. Since supporting evidence is limited at this time, the clinical significance of this alteration remains unclear.

NM_004304.5(ALK):c.946C>A (p.Pro316Thr)

Gene: ALK (ALK receptor tyrosine kinase; minus strand). Cytogenetic location: 2p23.2.
Variant type: single nucleotide variant.
Coding change: c.946C>A on transcript NM_004304.5 (MANE Select); coding-DNA position 946, C replaced by A.
Protein change: p.Pro316Thr; replaces proline 316 with threonine.
Molecular consequence: missense variant.
Genome position (GRCh38, 1-based): chr2:29,694,856, G>T on the plus strand (C>A on the coding strand, the complement: ALK is on the minus strand). VCF-style: chr2-29694856-G-T. GRCh37 (hg19) VCF-style: chr2-29917722-G-T.
Other names: short protein forms P316T.
Identifiers: ClinVar variation 646572 (VCV000646572.14), dbSNP rs1254406721, ClinGen allele CA346586820.